The following is an entry in ClinVar:

ClinVar aggregate classification (germline): Benign (3 of 4 stars; one submission).

Conditions:
Breast-ovarian cancer, familial, susceptibility to, 2 (BROVCA2). Also called: BRCA2 Hereditary Breast and Ovarian Cancer. Identifiers: Orphanet 145, MedGen C2675520, MONDO:0012933, OMIM 612555. Disease mechanism: loss of function.

Submission:

Evidence-based Network for the Interpretation of Germline Mutant Alleles (ENIGMA)
Classification: Benign for Breast-ovarian cancer, familial, susceptibility to, 2. Last evaluated: 2016-09-28. Review status: reviewed by expert panel. Criteria: ENIGMA BRCA1/2 Classification Criteria (2015). Collection method: curation. Allele origin: germline.
Comment: Class 1 not pathogenic based on frequency >1% in an outbred sampleset. Frequency 0.5159 (European), 0.5121 (African), 0.536 (Admixed American/Latino), 0.5327 (East Asian), 0.4693 (South Asian), derived from 1000 genomes (2013-05-02).

NM_000059.4(BRCA2):c.9648+534del

Gene: BRCA2 (BRCA2 DNA repair associated; plus strand). Cytogenetic location: 13q13.1.
Variant type: Deletion.
Coding change: c.9648+534del on transcript NM_000059.4 (MANE Select); 534 bases into the intron after coding-DNA position 9648, one base deleted (T; older notation c.9648+534delT).
Molecular consequence: intron variant.
Genome position (GRCh38, 1-based): chr13:32,397,578, T deleted; the last of 9 consecutive T bases (chr13:32,397,570-32,397,578); deleting any one gives the same sequence. VCF-style (leftmost placement, unchanged base first): chr13-32397569-AT-A. GRCh37 (hg19) VCF-style: chr13-32971706-AT-A.
Identifiers: ClinVar variation 264965 (VCV000264965.1), dbSNP rs398022220, ClinGen allele CA10588175.
Genomic context (GRCh38, chr13:32,397,569, plus strand): 5'-TTAACATTGTCAATAGGTTTTTGGAAACTGATTTTAAGGGAAGTGATGTATAACAAAACC[AT>A]TTTTTTTTCTCATCACTGTTCTAACAAAATGATGTTGAAGATTTAAATGACATTGCTCAA-3'